The following is an entry in ClinVar:

NM_001972.4(ELANE):c.367-5_367del

Gene: ELANE (elastase, neutrophil expressed; plus strand). Cytogenetic location: 19p13.3.
Variant type: Deletion.
Coding change: c.367-5_367del on transcript NM_001972.4 (MANE Select); 5 bases into the intron before coding-DNA position 367 through coding-DNA position 367, 6 bases deleted (CACAGC; older notation c.367-5_367delCACAGC).
Molecular consequence: splice acceptor variant.
Genome position (GRCh38, 1-based): chr19:855,559-855,564, CACAGC deleted; deleting any 6 consecutive bases within chr19:855,557-855,564 gives the same sequence; the c. name uses the placement nearest the transcript's 3' end. VCF-style (leftmost placement, unchanged base first): chr19-855556-CGCCACA-C. GRCh37 (hg19) VCF-style: chr19-855556-CGCCACA-C.
Identifiers: ClinVar variation 4784422 (VCV004784422.1).
Genomic context (GRCh38, chr19:855,556, plus strand): 5'-CCCGGAGAGGGGAGGGTCATCATCACTGCCCCGTGTGACGCGCTGACGATCTGTCCCCAC[CGCCACA>C]GCTCAACGGGTCGGCCACCATCAACGCCAACGTGCAGGTGGCCCAGCTGCCGGCTCAGGG-3'

ClinVar aggregate classification (germline): Uncertain significance (1 of 4 stars; one submission).

Conditions:
Neutropenia, severe congenital, 1, autosomal dominant. Identifiers: MedGen C1859966, MONDO:0042490, OMIM 202700.
Cyclical neutropenia. Also called: Cyclic Neutropenia; Cyclic hematopoiesis. Identifiers: Orphanet 2686, MedGen C0221023, MONDO:0008090, OMIM 162800, HP:0040289. Disease mechanism: loss of function.

Submission:

Labcorp Genetics (formerly Invitae), Labcorp
Classification: Uncertain significance for Neutropenia, severe congenital, 1, autosomal dominant; Cyclical neutropenia. Last evaluated: 2025-03-12. Review status: criteria provided, single submitter. Criteria: Invitae Variant Classification Sherloc (09022015). Collection method: clinical testing. Allele origin: germline.
Comment: This variant results in the deletion of part of exon 4 (c.367-5_367del) of the ELANE gene. It is expected to disrupt RNA splicing. Variants that disrupt the donor or acceptor splice site typically lead to a loss of protein function (PMID: 16199547), however the current clinical and genetic evidence is not sufficient to establish whether loss-of-function variants in ELANE cause disease. This variant is not present in population databases (gnomAD no frequency). This variant has not been reported in the literature in individuals affected with ELANE-related conditions. Algorithms developed to predict the effect of sequence changes on RNA splicing suggest that this variant may disrupt the consensus splice site. In summary, the available evidence is currently insufficient to determine the role of this variant in disease. Therefore, it has been classified as a Variant of Uncertain Significance.

Literature cited by the submitters: PubMed 16199547.